The following is an entry in ClinVar:

NM_002471.4(MYH6):c.2827C>T (p.Arg943Cys)

Gene: MYH6 (myosin heavy chain 6; minus strand). Cytogenetic location: 14q11.2.
Variant type: single nucleotide variant.
Coding change: c.2827C>T on transcript NM_002471.4 (MANE Select); coding-DNA position 2827, C replaced by T.
Protein change: p.Arg943Cys; replaces arginine 943 with cysteine.
Molecular consequence: missense variant.
Genome position (GRCh38, 1-based): chr14:23,393,767, G>A on the plus strand (C>T on the coding strand, the complement: MYH6 is on the minus strand). VCF-style: chr14-23393767-G-A. GRCh37 (hg19) VCF-style: chr14-23862976-G-A.
Other names: short protein forms R943C.
Identifiers: ClinVar variation 470519 (VCV000470519.19), dbSNP rs368912844, ClinGen allele CA7115368.

ClinVar aggregate classification (germline): Conflicting classifications of pathogenicity. Review status: criteria provided, conflicting classifications (1 of 4 stars). 8 submissions from 8 submitters: Uncertain significance (7); Likely benign (1). Last evaluated 2025-10-22.

Conditions:
MYH6-related disorder. Also called: MYH6-Related Disorders; MYH6-related condition.
Cardiovascular phenotype. Identifiers: MedGen CN230736.
Atrial septal defect 3 (ASD3). Identifiers: Orphanet 1478, MedGen C3279790, MONDO:0013567, OMIM 614089.
Dilated cardiomyopathy 1EE (CMD1EE). Identifiers: Orphanet 154, MedGen C2750466, MONDO:0013198, OMIM 613252.
Hypertrophic cardiomyopathy 14. Identifiers: MedGen C2750467, MONDO:0013197, OMIM 613251.
Sick sinus syndrome 3, susceptibility to (SSS3). Identifiers: Orphanet 166282, MedGen C3279791, MONDO:0013568, OMIM 614090.
Hypertrophic cardiomyopathy 1 (CMH1). Also called: Familial hypertrophic cardiomyopathy 1; MYH7-Related Familial Hypertrophic Cardiomyopathy. Identifiers: MedGen C3495498, MONDO:0008647, OMIM 192600.
Hypertrophic cardiomyopathy. Also called: HYPERTROPHIC MYOCARDIOPATHY. Identifiers: Orphanet 217569, MedGen C0007194, MeSH D002312, MONDO:0005045, HP:0001639.

Allele frequency attached by ClinVar (database versions not stated): gnomAD 0.00003; TOPMed 0.00003.
gnomAD v4.1: 99 of 1,614,044 alleles (0.0061%); highest among the groups gnomAD compares: South Asian, 0.014%; 2 homozygotes.

Submissions (8):

PreventionGenetics, part of Exact Sciences
Classification: Uncertain significance for MYH6-related condition. Last evaluated: 2025-10-22. Review status: criteria provided, single submitter. Criteria: ACMG Guidelines, 2015. Collection method: clinical testing. Allele origin: germline.
Comment: The MYH6 c.2827C>T variant is predicted to result in the amino acid substitution p.Arg943Cys. This variant has been reported as uncertain in an individual with hypertrophic cardiomyopathy (Supplementary Table 2, Robyns et al. 2020. PubMed ID: 31513939). This variant is reported in 0.020% of alleles in individuals of South Asian descent in gnomAD and is interpreted as uncertain in ClinVar (Variation ID: 470519). At this time, the clinical significance of this variant is uncertain due to the absence of conclusive functional and genetic evidence.

Labcorp Genetics (formerly Invitae), Labcorp
Classification: Uncertain significance for Hypertrophic cardiomyopathy 14. Last evaluated: 2025-08-11. Review status: criteria provided, single submitter. Criteria: Invitae Variant Classification Sherloc (09022015). Collection method: clinical testing. Allele origin: germline.
Comment: This sequence change replaces arginine, which is basic and polar, with cysteine, which is neutral and slightly polar, at codon 943 of the MYH6 protein (p.Arg943Cys). This variant is present in population databases (rs368912844, gnomAD 0.02%). This missense change has been observed in individual(s) with hypertrophic cardiomyopathy (PMID: 31513939). ClinVar contains an entry for this variant (Variation ID: 470519). Invitae Evidence Modeling of protein sequence and biophysical properties (such as structural, functional, and spatial information, amino acid conservation, physicochemical variation, residue mobility, and thermodynamic stability) indicates that this missense variant is expected to disrupt MYH6 protein function with a positive predictive value of 80%. In summary, the available evidence is currently insufficient to determine the role of this variant in disease. Therefore, it has been classified as a Variant of Uncertain Significance.

Blueprint Genetics
Classification: Likely benign. Last evaluated: 2024-04-09. Review status: criteria provided, single submitter. Criteria: ACMG Guidelines, 2015. Collection method: clinical testing. Allele origin: germline.

Ambry Genetics
Classification: Uncertain significance for Cardiovascular phenotype. Last evaluated: 2023-10-25. Review status: criteria provided, single submitter. Criteria: Ambry Variant Classification Scheme 2023. Collection method: clinical testing. Allele origin: germline.
Comment: The p.R943C variant (also known as c.2827C>T), located in coding exon 20 of the MYH6 gene, results from a C to T substitution at nucleotide position 2827. The arginine at codon 943 is replaced by cysteine, an amino acid with highly dissimilar properties. This amino acid position is highly conserved in available vertebrate species. In addition, this alteration is predicted to be deleterious by in silico analysis. Since supporting evidence is limited at this time, the clinical significance of this alteration remains unclear.

GeneDx
Classification: Uncertain significance. Last evaluated: 2023-05-30. Review status: criteria provided, single submitter. Criteria: GeneDx Variant Classification Process June 2021. Collection method: clinical testing. Allele origin: germline. Affected: yes.
Comment: Has been reported as a variant of uncertain significance in an individual with HCM (Robyns et al., 2020); In silico analysis supports that this missense variant has a deleterious effect on protein structure/function; This variant is associated with the following publications: (PMID: 31513939)

Clinical Genetics Laboratory, Skane University Hospital Lund
Classification: Uncertain significance. Last evaluated: 2023-04-17. Review status: criteria provided, single submitter. Criteria: ACMG Guidelines, 2015. Collection method: clinical testing. Allele origin: germline. Affected: yes.

Fulgent Genetics
Classification: Uncertain significance for Hypertrophic cardiomyopathy 1; Hypertrophic cardiomyopathy 14; Dilated cardiomyopathy 1EE; Atrial septal defect 3; Sick sinus syndrome 3, susceptibility to. Last evaluated: 2021-08-11. Review status: criteria provided, single submitter. Criteria: ACMG Guidelines, 2015. Collection method: clinical testing. Allele origin: unknown.

Center for Human Genetics, University of Leuven
Classification: Uncertain significance for Hypertrophic cardiomyopathy. Last evaluated: 2018-10-31. Review status: criteria provided, single submitter. Criteria: ACMG Guidelines, 2015. Collection method: clinical testing. Allele origin: germline. Affected: yes.

Literature cited by the submitters: PubMed 31513939 (cited by Labcorp Genetics (formerly Invitae), Labcorp).